The following is an entry in ClinVar:

NM_001367624.2(ZNF469):c.517C>A (p.Pro173Thr)

Gene: ZNF469 (zinc finger protein 469; plus strand). Cytogenetic location: 16q24.2.
Variant type: single nucleotide variant.
Coding change: c.517C>A on transcript NM_001367624.2 (MANE Select); coding-DNA position 517, C replaced by A.
Protein change: p.Pro173Thr; replaces proline 173 with threonine.
Molecular consequence: missense variant.
Genome position (GRCh38, 1-based): chr16:88,427,987, C>A. VCF-style: chr16-88427987-C-A. GRCh37 (hg19) VCF-style: chr16-88494395-C-A.
Other names: NM_001127464.1:c.517C>A; short protein forms P173T.
Identifiers: ClinVar variation 3232821 (VCV003232821.1), dbSNP rs2507571454, ClinGen allele CA397060411.

ClinVar aggregate classification (germline): Uncertain significance (1 of 4 stars; one submission).

Conditions:
Cardiovascular phenotype. Identifiers: MedGen CN230736.

Allele frequency attached by ClinVar (database versions not stated): gnomAD exomes below 0.00001.
gnomAD v4.1: 1 of 1,550,016 alleles (0.000065%); highest among the groups gnomAD compares: Non-Finnish European, 0.000087%; no homozygotes.

Submission:

Ambry Genetics
Classification: Uncertain significance for Cardiovascular phenotype. Last evaluated: 2024-02-22. Review status: criteria provided, single submitter. Criteria: Ambry Variant Classification Scheme 2023. Collection method: clinical testing. Allele origin: germline.
Comment: The p.P173T variant (also known as c.517C>A), located in coding exon 1 of the ZNF469 gene, results from a C to A substitution at nucleotide position 517. The proline at codon 173 is replaced by threonine, an amino acid with highly similar properties. This amino acid position is conserved. In addition, this alteration is predicted to be tolerated by in silico analysis. Based on the available evidence, the clinical significance of this alteration remains unclear.